The following is an entry in ClinVar:

NM_006218.4(PIK3CA):c.2288A>G (p.Asn763Ser)

Gene: PIK3CA (phosphatidylinositol-4,5-bisphosphate 3-kinase catalytic subunit alpha; plus strand). Cytogenetic location: 3q26.32.
Variant type: single nucleotide variant.
Coding change: c.2288A>G on transcript NM_006218.4 (MANE Select); coding-DNA position 2288, A replaced by G.
Protein change: p.Asn763Ser; replaces asparagine 763 with serine.
Molecular consequence: missense variant.
Genome position (GRCh38, 1-based): chr3:179,224,181, A>G. VCF-style: chr3-179224181-A-G. GRCh37 (hg19) VCF-style: chr3-178941969-A-G.
Other names: short protein forms N763S.
Identifiers: ClinVar variation 1789037 (VCV001789037.2), dbSNP rs2108417000, ClinGen allele CA355271070.
Genomic context (GRCh38, chr3:179,224,181, plus strand): 5'-ATTTCATGGATGCTCTACAGGGCTTTCTGTCTCCTCTAAACCCTGCTCATCAACTAGGAA[A>G]CCTCAGGTACTTTCTTGGGGGTTTCATTGATATATTTAAATAAATACCTTTTCTGGATAA-3'
Protein context (NP_006209.2, residues 753-773): SPLNPAHQLG[Asn763Ser]LRLEECRIMS

ClinVar aggregate classification (germline): Uncertain significance (1 of 4 stars; one submission).

Conditions:
Inborn genetic diseases. Identifiers: MedGen C0950123, MeSH D030342.

Submission:

Ambry Genetics
Classification: Uncertain significance for Inborn genetic diseases. Last evaluated: 2022-09-12. Review status: criteria provided, single submitter. Criteria: Ambry Variant Classification Scheme 2023. Collection method: clinical testing. Allele origin: germline.
Comment: The p.N763S variant (also known as c.2288A>G), located in coding exon 14 of the PIK3CA gene, results from an A to G substitution at nucleotide position 2288. The asparagine at codon 763 is replaced by serine, an amino acid with highly similar properties. This amino acid position is conserved. In addition, this alteration is predicted to be tolerated by in silico analysis. Since supporting evidence is limited at this time, the clinical significance of this alteration remains unclear.